The following is an entry in ClinVar:

NM_006073.4(TRDN):c.1545A>C (p.Gln515His)

Gene: TRDN (triadin; minus strand). Cytogenetic location: 6q22.31.
Variant type: single nucleotide variant.
Coding change: c.1545A>C on transcript NM_006073.4 (MANE Select); coding-DNA position 1545, A replaced by C.
Protein change: p.Gln515His; replaces glutamine 515 with histidine.
Molecular consequence: missense variant.
Genome position (GRCh38, 1-based): chr6:123,278,340, T>G on the plus strand (A>C on the coding strand, the complement: TRDN is on the minus strand). VCF-style: chr6-123278340-T-G. GRCh37 (hg19) VCF-style: chr6-123599485-T-G.
Other names: c.1545A>C (NM_006073.2); short protein forms Q515H.
Identifiers: ClinVar variation 1018923 (VCV001018923.49), dbSNP rs1232728917, ClinGen allele CA365565591.

ClinVar aggregate classification (germline): Uncertain significance. Review status: criteria provided, multiple submitters, no conflicts (2 of 4 stars). 2 submissions from 2 submitters: Uncertain significance (2). Last evaluated 2025-05-03.

Conditions:
Cardiovascular phenotype. Identifiers: MedGen CN230736.
Catecholaminergic polymorphic ventricular tachycardia 1. Also called: VENTRICULAR TACHYCARDIA, STRESS-INDUCED POLYMORPHIC 1; VENTRICULAR TACHYCARDIA, CATECHOLAMINERGIC POLYMORPHIC, 1, WITH OR WITHOUT ATRIAL DYSFUNCTION AND/OR DILATED CARDIOMYOPATHY; RYR2-Related Catecholaminergic Polymorphic Ventricular Tachycardia. Identifiers: Orphanet 3286, MedGen C1631597, MONDO:0011484, OMIM 604772.

Allele frequency attached by ClinVar (database versions not stated): TOPMed 0.00001.

Submissions (2):

Ambry Genetics
Classification: Uncertain significance for Cardiovascular phenotype. Last evaluated: 2025-05-03. Review status: criteria provided, single submitter. Criteria: Ambry Variant Classification Scheme 2023. Collection method: clinical testing. Allele origin: germline.
Comment: The p.Q515H variant (also known as c.1545A>C), located in coding exon 26 of the TRDN gene, results from an A to C substitution at nucleotide position 1545. The glutamine at codon 515 is replaced by histidine, an amino acid with highly similar properties. This amino acid position is conserved. In addition, this alteration is predicted to be tolerated by in silico analysis. Based on the available evidence, the clinical significance of this variant remains unclear.

Labcorp Genetics (formerly Invitae), Labcorp
Classification: Uncertain significance for Catecholaminergic polymorphic ventricular tachycardia 1. Last evaluated: 2022-07-06. Review status: criteria provided, single submitter. Criteria: Invitae Variant Classification Sherloc (09022015). Collection method: clinical testing. Allele origin: germline.
Comment: ClinVar contains an entry for this variant (Variation ID: 1018923). In summary, the available evidence is currently insufficient to determine the role of this variant in disease. Therefore, it has been classified as a Variant of Uncertain Significance. Algorithms developed to predict the effect of missense changes on protein structure and function are either unavailable or do not agree on the potential impact of this missense change (SIFT: "Deleterious"; PolyPhen-2: "Probably Damaging"; Align-GVGD: "Class C0"). This variant has not been reported in the literature in individuals affected with TRDN-related conditions. This variant is not present in population databases (gnomAD no frequency). This sequence change replaces glutamine, which is neutral and polar, with histidine, which is basic and polar, at codon 515 of the TRDN protein (p.Gln515His).